The following is an entry in ClinVar:

ClinVar aggregate classification (germline): Uncertain significance. Review status: criteria provided, multiple submitters, no conflicts (2 of 4 stars). 2 submissions from 2 submitters: Uncertain significance (2). Last evaluated 2025-11-06.

Conditions:
Inborn genetic diseases. Identifiers: MedGen C0950123, MeSH D030342.

Allele frequency attached by ClinVar (database versions not stated): gnomAD 0.00001; TOPMed 0.00001; ExAC 0.00002; gnomAD exomes 0.00002.
gnomAD v4.1: 31 of 1,614,094 alleles (0.0019%); highest among the groups gnomAD compares: Non-Finnish European, 0.0026%; no homozygotes.

Submissions (2):

Labcorp Genetics (formerly Invitae), Labcorp
Classification: Uncertain significance. Last evaluated: 2025-11-06. Review status: criteria provided, single submitter. Criteria: Invitae Variant Classification Sherloc (09022015). Collection method: clinical testing. Allele origin: germline.
Comment: This sequence change replaces alanine, which is neutral and non-polar, with proline, which is neutral and non-polar, at codon 806 of the HSPG2 protein (p.Ala806Pro). This variant is present in population databases (rs747527245, gnomAD 0.003%). This variant has not been reported in the literature in individuals affected with HSPG2-related conditions. ClinVar contains an entry for this variant (Variation ID: 1923713). An algorithm developed to predict the effect of missense changes on protein structure and function outputs the following: PolyPhen-2: "Benign". The proline amino acid residue is found in multiple mammalian species, which suggests that this missense change does not adversely affect protein function. In summary, the available evidence is currently insufficient to determine the role of this variant in disease. Therefore, it has been classified as a Variant of Uncertain Significance.

Ambry Genetics
Classification: Uncertain significance for Inborn genetic diseases. Last evaluated: 2022-12-21. Review status: criteria provided, single submitter. Criteria: Ambry Variant Classification Scheme 2023. Collection method: clinical testing. Allele origin: germline.

NM_005529.7(HSPG2):c.2416G>C (p.Ala806Pro)

Gene: HSPG2 (heparan sulfate proteoglycan 2; minus strand). Cytogenetic location: 1p36.12.
Variant type: single nucleotide variant.
Coding change: c.2416G>C on transcript NM_005529.7 (MANE Select); coding-DNA position 2416, G replaced by C.
Protein change: p.Ala806Pro; replaces alanine 806 with proline.
Molecular consequence: missense variant.
Genome position (GRCh38, 1-based): chr1:21,879,049, C>G on the plus strand (G>C on the coding strand, the complement: HSPG2 is on the minus strand). VCF-style: chr1-21879049-C-G. GRCh37 (hg19) VCF-style: chr1-22205542-C-G.
Other names: c.2419G>C, p.Ala807Pro (NM_001291860.2); short protein forms A806P, A807P.
Identifiers: ClinVar variation 1923713 (VCV001923713.4), dbSNP rs747527245, ClinGen allele CA673078.